The following is an entry in ClinVar:

ClinVar aggregate classification (germline): Uncertain significance (1 of 4 stars; one submission).

Conditions:
Hereditary cancer-predisposing syndrome. Also called: Hereditary neoplastic syndrome; Tumor predisposition; Hereditary Cancer Syndrome; Neoplastic Syndromes, Hereditary. Identifiers: Orphanet 140162, MedGen C0027672, MeSH D009386, MONDO:0015356.

Submissions (2):

Color Diagnostics, LLC DBA Color Health
Classification: Uncertain significance for Hereditary cancer-predisposing syndrome. Last evaluated: 2019-06-12. Review status: criteria provided, single submitter. Criteria: ACMG Guidelines, 2015. Collection method: clinical testing. Allele origin: germline.

Brotman Baty Institute, University of Washington
No classification provided (evidence only). Condition: Breast-ovarian cancer, familial 1. Review status: no classification provided. Collection method: in vitro. Allele origin: not applicable. Functional consequence: functionally_normal. Not counted in ClinVar's aggregate classification.
ClinVar note: "not provided" was previously submitted as the classification for the variant. However, the classification appeared to be based only on an observation of functional data so it was converted to no classification on 2025-07-30.

NM_007294.4(BRCA1):c.5278-11T>C

Gene: BRCA1 (BRCA1 DNA repair associated; minus strand). Cytogenetic location: 17q21.31.
Variant type: single nucleotide variant.
Coding change: c.5278-11T>C on transcript NM_007294.4 (MANE Select); 11 bases into the intron before coding-DNA position 5278, T replaced by C.
Molecular consequence: intron variant.
Genome position (GRCh38, 1-based): chr17:43,051,128, A>G on the plus strand (T>C on the coding strand, the complement: BRCA1 is on the minus strand). VCF-style: chr17-43051128-A-G. GRCh37 (hg19) VCF-style: chr17-41203145-A-G.
Other names: c.1825-11T>C (NM_001408458.1, NM_001408461.1, NM_001408464.1 and 7 more transcripts); c.4387-11T>C (NM_001407967.1); c.4897-11T>C (NM_001407959.1); c.5011-11T>C (NM_001407931.1, NM_001407932.1, NM_001407928.1 and 4 more transcripts); c.5134-11T>C (NM_001407747.1, NM_001407745.1, NM_001407737.1 and 21 more transcripts); c.4894-11T>C (NM_001407962.1, NM_001407960.1); c.1465-11T>C (NM_001408512.1); c.1588-11T>C (NM_001408510.1); and 74 more.
Identifiers: ClinVar variation 628477 (VCV000628477.6), dbSNP rs1567760749, ClinGen allele CA913187794.
Genomic context (GRCh38, chr17:43,051,128, plus strand): 5'-GGCATGTTGGTGAAGGGCCCATAGCAACAGATTTCTAGCCCCCTGAAGATCTGGAAGAAG[A>G]GAGGAAGAGAGAGGGACAGGGGAATGGAGAGAAGGAAAATCTAGTTATAAAAGAATATTG-3'